The following is an entry in ClinVar:

NM_006031.6(PCNT):c.9968-8A>T

Gene: PCNT (pericentrin; plus strand). Cytogenetic location: 21q22.3.
Variant type: single nucleotide variant.
Coding change: c.9968-8A>T on transcript NM_006031.6 (MANE Select); 8 bases into the intron before coding-DNA position 9968, A replaced by T.
Molecular consequence: intron variant.
Genome position (GRCh38, 1-based): chr21:46,445,276, A>T. VCF-style: chr21-46445276-A-T. GRCh37 (hg19) VCF-style: chr21-47865189-A-T.
Other names: c.9377-8A>T (NM_001315529.2).
Identifiers: ClinVar variation 3354116 (VCV003354116.1).
Genomic context (GRCh38, chr21:46,445,276, plus strand): 5'-GGAATTCTTTTCAAAAAATCTGTGAAGCCTTGTAACCAATTTGCTGCCTCATTTTTATTT[A>T]TATGCAGATTCTACTTCAAAGAAATCCTGCCACCCGATGATTAAACAGTGAATAAAATGT-3'

ClinVar aggregate classification (germline): Likely benign (0 of 4 stars; one submission).

Conditions:
PCNT-related disorder. Also called: PCNT-related condition.

Submission:

PreventionGenetics, part of Exact Sciences
Classification: Likely benign for PCNT-related condition. Last evaluated: 2022-09-08. Review status: no assertion criteria provided. Collection method: clinical testing. Allele origin: germline.
Comment: This variant is classified as likely benign based on ACMG/AMP sequence variant interpretation guidelines (Richards et al. 2015 PMID: 25741868, with internal and published modifications).